The following is an entry in ClinVar:

NM_001292034.3(TAB2):c.766T>C (p.Trp256Arg)

Genes: TAB2 (TGF-beta activated kinase 1 (MAP3K7) binding protein 2; plus strand), LOC126859827 (BRD4-independent group 4 enhancer GRCh37_chr6:149699707-149700906; plus strand). Cytogenetic location: 6q25.1.
Variant type: single nucleotide variant.
Coding change: c.766T>C on transcript NM_001292034.3 (MANE Select); coding-DNA position 766, T replaced by C.
Protein change: p.Trp256Arg; replaces tryptophan 256 with arginine.
Molecular consequence: missense variant.
Genome position (GRCh38, 1-based): chr6:149,378,681, T>C. VCF-style: chr6-149378681-T-C. GRCh37 (hg19) VCF-style: chr6-149699817-T-C.
Other names: c.670T>C, p.Trp224Arg (NM_001292035.3); c.766T>C, p.Trp256Arg (NM_001369506.1, NM_015093.6); short protein forms W224R, W256R.
Identifiers: ClinVar variation 1800997 (VCV001800997.6), dbSNP rs776226341, ClinGen allele CA4041448.
Genomic context (GRCh38, chr6:149,378,681, plus strand): 5'-GTATCTCAGTTTAATCCCATGAACCCTCAGCAAGTTTATCAGCCTTCACAGCCTGGTCCC[T>C]GGACTACTTGTCCTGCATCTAATCCTCTGTCACATACCTCATCTCAACAGCCAAATCAGC-3'
Protein context (NP_001278963.1, residues 246-266): QVYQPSQPGP[Trp256Arg]TTCPASNPLS

ClinVar aggregate classification (germline): Uncertain significance. Review status: criteria provided, multiple submitters, no conflicts (2 of 4 stars). 2 submissions from 2 submitters: Uncertain significance (2). Last evaluated 2022-06-22.

Allele frequency attached by ClinVar (database versions not stated): gnomAD exomes below 0.00001; ExAC 0.00002.
gnomAD v4.1: 6 of 1,613,882 alleles (0.00037%); highest among the groups gnomAD compares: South Asian, 0.0055%; no homozygotes.

Submissions (2):

Labcorp Genetics (formerly Invitae), Labcorp
Classification: Uncertain significance. Last evaluated: 2022-06-22. Review status: criteria provided, single submitter. Criteria: Invitae Variant Classification Sherloc (09022015). Collection method: clinical testing. Allele origin: germline.
Comment: This variant is present in population databases (rs776226341, gnomAD 0.006%). This variant has not been reported in the literature in individuals affected with TAB2-related conditions. Algorithms developed to predict the effect of missense changes on protein structure and function are either unavailable or do not agree on the potential impact of this missense change (SIFT: "Deleterious"; PolyPhen-2: "Benign"; Align-GVGD: "Class C0"). In summary, the available evidence is currently insufficient to determine the role of this variant in disease. Therefore, it has been classified as a Variant of Uncertain Significance. This sequence change replaces tryptophan, which is neutral and slightly polar, with arginine, which is basic and polar, at codon 256 of the TAB2 protein (p.Trp256Arg).

GeneDx
Classification: Uncertain significance. Last evaluated: 2022-05-25. Review status: criteria provided, single submitter. Criteria: GeneDx Variant Classification Process June 2021. Collection method: clinical testing. Allele origin: germline. Affected: yes.
Comment: Not observed at significant frequency in large population cohorts (gnomAD); In silico analysis supports that this missense variant does not alter protein structure/function; Has not been previously published as pathogenic or benign to our knowledge